The following is an entry in ClinVar:

ClinVar aggregate classification (germline): Likely pathogenic (1 of 4 stars; one submission).

Conditions:
ALG6-congenital disorder of glycosylation 1C (CDG1C). Also called: CARBOHYDRATE-DEFICIENT GLYCOPROTEIN SYNDROME, TYPE I, WITH DEFICIENT GLYCOSYLATION OF DOLICHOL-LINKED OLIGOSACCHARIDE; CARBOHYDRATE-DEFICIENT GLYCOPROTEIN SYNDROME, TYPE V; Congenital disorder of glycosylation type 1C; Congenital disorder of glycosylation, type Ic; CDG Ic. Identifiers: Orphanet 79320, MedGen C2930997, MONDO:0011291, OMIM 603147.

Submission:

Labcorp Genetics (formerly Invitae), Labcorp
Classification: Likely pathogenic for ALG6-congenital disorder of glycosylation 1C. Last evaluated: 2021-03-17. Review status: criteria provided, single submitter. Criteria: Invitae Variant Classification Sherloc (09022015). Collection method: clinical testing. Allele origin: germline.
Comment: This variant has not been reported in the literature in individuals with ALG6-related conditions. This variant is not present in population databases (ExAC no frequency). This sequence change affects a donor splice site in intron 6 of the ALG6 gene. It is expected to disrupt RNA splicing. Variants that disrupt the donor or acceptor splice site typically lead to a loss of protein function (PMID: 16199547), and loss-of-function variants in ALG6 are known to be pathogenic (PMID: 19862844). Algorithms developed to predict the effect of sequence changes on RNA splicing suggest that this variant may disrupt the consensus splice site, but this prediction has not been confirmed by published transcriptional studies. In summary, the currently available evidence indicates that the variant is pathogenic, but additional data are needed to prove that conclusively. Therefore, this variant has been classified as Likely Pathogenic.

Literature cited by the submitters: PubMed 16199547; PubMed 19862844.

NM_013339.4(ALG6):c.429+2T>G

Gene: ALG6 (ALG6 alpha-1,3-glucosyltransferase; plus strand). Cytogenetic location: 1p31.3.
Variant type: single nucleotide variant.
Coding change: c.429+2T>G on transcript NM_013339.4 (MANE Select); the canonical splice donor site of the intron after coding-DNA position 429, T replaced by G.
Molecular consequence: splice donor variant.
Genome position (GRCh38, 1-based): chr1:63,406,401, T>G. VCF-style: chr1-63406401-T-G. GRCh37 (hg19) VCF-style: chr1-63872072-T-G.
Identifiers: ClinVar variation 1507861 (VCV001507861.8), dbSNP rs1270337982, ClinGen allele CA340634651.
Genomic context (GRCh38, chr1:63,406,401, plus strand): 5'-ACATACCTGCAGTGGTTTTGTACTGTTGTTGCTTAAAAGAAATCTCAACTAAGAAAAAGG[T>G]AGGTTTTCAAGCAGCCTGACAGTTCGTCTCTGAAATGTATTCTTTATTAGTCTAACTATT-3'